The following is an entry in ClinVar:

NM_000155.4(GALT):c.754del (p.Gln252fs)

Gene: GALT (galactose-1-phosphate uridylyltransferase; plus strand). Cytogenetic location: 9p13.3.
Variant type: Deletion.
Coding change: c.754del on transcript NM_000155.4 (MANE Select); coding-DNA position 754, one base deleted (C; older notation c.754delC).
Protein change: p.Gln252fs; shifts the reading frame from glutamine 252.
Molecular consequence: frameshift variant.
Genome position (GRCh38, 1-based): chr9:34,648,828, C deleted; the last of 2 consecutive C bases (chr9:34,648,827-34,648,828); deleting either gives the same sequence. VCF-style (leftmost placement, unchanged base first): chr9-34648826-AC-A. GRCh37 (hg19) VCF-style: chr9-34648823-AC-A.
Other names: c.427del, p.Gln143fs (NM_001258332.2); short protein forms Q143fs, Q252fs.
Identifiers: ClinVar variation 1724312 (VCV001724312.2), dbSNP rs2492872237, ClinGen allele CA2580080412.

ClinVar aggregate classification (germline): Likely pathogenic (1 of 4 stars; one submission).

Conditions:
Deficiency of UDPglucose-hexose-1-phosphate uridylyltransferase. Also called: GALACTOSE-1-PHOSPHATE URIDYLYLTRANSFERASE DEFICIENCY; Transferase Deficiency Galactosemia; GALACTOSEMIA I; GALT deficiency; Galactosemia, classic. Identifiers: Orphanet 352, Orphanet 79239, MedGen C0268151, MONDO:0009258, OMIM 230400.

Submission:

Myriad Genetics, Inc.
Classification: Likely pathogenic for Deficiency of UDPglucose-hexose-1-phosphate uridylyltransferase. Last evaluated: 2022-02-05. Review status: criteria provided, single submitter. Criteria: Myriad Women's Health Autosomal Recessive and X-Linked Classification Criteria (2021). Collection method: clinical testing. Allele origin: unknown.
Comment: NM_000155.3(GALT):c.754delC(Q252Rfs*16) is expected to be pathogenic in the context of galactosemia. This variant is predicted to lead to an abnormal or absent protein product due to the creation of a premature termination codon in GALT, a gene where loss-of-function variants are known to be pathogenic. Please note: this variant was assessed in the context of healthy population screening.